The following is an entry in ClinVar:

ClinVar aggregate classification (germline): Uncertain significance (1 of 4 stars; one submission).

Conditions:
CEP164-related disorder. Also called: CEP164-related condition.

Submission:

PreventionGenetics, part of Exact Sciences
Classification: Uncertain significance for CEP164-related condition. Last evaluated: 2025-09-30. Review status: criteria provided, single submitter. Criteria: ACMG Guidelines, 2015. Collection method: clinical testing. Allele origin: germline.
Comment: The CEP164 c.1577+1G>C variant is predicted to disrupt the GT donor site and interfere with normal splicing. This variant is predicted to alter splicing by one available splicing algorithm (Splice AI, Jaganathan et al. 2019. PubMed ID: 30661751). However, this variant is expected to impact an exon that is in-frame, and therefore this variant may or may not result in nonsense-mediated decay. To our knowledge, this variant has not been reported in the literature or in a large population database (gnomAD), indicating this variant is rare. At this time, the clinical significance of this variant is uncertain due to the absence of conclusive functional and genetic evidence.

NM_014956.5(CEP164):c.1577+1G>C

Gene: CEP164 (centrosomal protein 164; plus strand). Cytogenetic location: 11q23.3.
Variant type: single nucleotide variant.
Coding change: c.1577+1G>C on transcript NM_014956.5 (MANE Select); the canonical splice donor site of the intron after coding-DNA position 1577, G replaced by C.
Molecular consequence: splice donor variant.
Genome position (GRCh38, 1-based): chr11:117,381,869, G>C. VCF-style: chr11-117381869-G-C. GRCh37 (hg19) VCF-style: chr11-117252585-G-C.
Other names: c.1586+1G>C (NM_001271933.2, NM_001440949.1, NM_001440967.1 and 1 more transcripts); c.1418+1G>C (NM_001440972.1); c.1637+1G>C (NM_001440956.1, NM_001440957.1); c.1577+1G>C (NM_001440950.1, NM_001440953.1, NM_001440962.1 and 10 more transcripts); c.1559+1G>C (NM_001440952.1, NM_001440987.1, NM_001440968.1 and 1 more transcripts); c.1499+1G>C (NM_001440954.1, NM_001440958.1, NM_001440973.1 and 12 more transcripts); c.1448+1G>C (NM_001440960.1).
Identifiers: ClinVar variation 4992705 (VCV004992705.1).
Genomic context (GRCh38, chr11:117,381,869, plus strand): 5'-GGCAGAGGAGCTTGGGGAGGACTCTGCAGCCAGCCTCAGCCTGCAGCTGTCCCTCCAGAG[G>C]TAAGGATGAGGGGAAGCATCCTCATGAGGATGAGGGCTGGTGGCTGCTCTGTGTGTAGTG-3'